The following is an entry in ClinVar:

NM_001240.4(CCNT1):c.1356G>A (p.Leu452=)

Gene: CCNT1 (cyclin T1; minus strand). Cytogenetic location: 12q13.11.
Variant type: single nucleotide variant.
Coding change: c.1356G>A on transcript NM_001240.4 (MANE Select); coding-DNA position 1356, G replaced by A.
Protein change: p.Leu452=; no amino-acid change (leucine 452 retained).
Molecular consequence: synonymous variant. On other transcripts: non-coding transcript variant (2), 3 prime UTR variant (1).
Genome position (GRCh38, 1-based): chr12:48,693,858, C>T on the plus strand (G>A on the coding strand, the complement: CCNT1 is on the minus strand). VCF-style: chr12-48693858-C-T. GRCh37 (hg19) VCF-style: chr12-49087641-C-T.
Other names: c.501G>A, p.Leu167= (NM_001413200.1); c.*637G>A (NM_001277842.2); c.1161G>A, p.Leu387= (NM_001413198.1); c.1146G>A, p.Leu382= (NM_001413199.1).
Identifiers: ClinVar variation 2642928 (VCV002642928.24), dbSNP rs748625270, ClinGen allele CA6540229.

ClinVar aggregate classification (germline): Likely benign (1 of 4 stars; one submission).

Allele frequency attached by ClinVar (database versions not stated): gnomAD exomes below 0.00001; ExAC 0.00001.
gnomAD v4.1: 1 of 1,613,940 alleles (0.000062%); no homozygotes.

Submission:

CeGaT Center for Human Genetics Tuebingen
Classification: Likely benign. Last evaluated: 2023-11-01. Review status: criteria provided, single submitter. Criteria: CeGaT Center For Human Genetics Tuebingen Variant Classification Criteria Version 2. Collection method: clinical testing. Allele origin: germline. Affected: yes. Observed: 1 variant allele.
Comment: CCNT1: PM2:Supporting, BP4, BP7